The following is an entry in ClinVar:

ClinVar aggregate classification (germline): Uncertain significance (1 of 4 stars; one submission).

Conditions:
Hereditary cancer-predisposing syndrome. Also called: Neoplastic Syndromes, Hereditary; Tumor predisposition; Hereditary neoplastic syndrome; Hereditary Cancer Syndrome. Identifiers: Orphanet 140162, MedGen C0027672, MeSH D009386, MONDO:0015356.

gnomAD v4.1: 2 of 1,613,652 alleles (0.00012%); highest among the groups gnomAD compares: Non-Finnish European, 0.00017%; no homozygotes.

Submission:

Ambry Genetics
Classification: Uncertain significance for Hereditary cancer-predisposing syndrome. Last evaluated: 2026-07-07. Review status: criteria provided, single submitter. Criteria: Ambry Variant Classification Scheme 2023. Collection method: clinical testing. Allele origin: germline.
Comment: The p.L212S variant (also known as c.635T>C), located in coding exon 6 of the SMARCB1 gene, results from a T to C substitution at nucleotide position 635. The leucine at codon 212 is replaced by serine, an amino acid with dissimilar properties. This amino acid position is conserved. In addition, this alteration is predicted to be deleterious by in silico analysis. Based on the available evidence, the clinical significance of this variant remains unclear.

NM_003073.5(SMARCB1):c.635T>C (p.Leu212Ser)

Gene: SMARCB1 (SWI/SNF related BAF chromatin remodeling complex subunit B1; plus strand). Cytogenetic location: 22q11.23.
Variant type: single nucleotide variant.
Coding change: c.635T>C on transcript NM_003073.5 (MANE Select); coding-DNA position 635, T replaced by C.
Protein change: p.Leu212Ser; replaces leucine 212 with serine.
Molecular consequence: missense variant.
Genome position (GRCh38, 1-based): chr22:23,816,776, T>C. VCF-style: chr22-23816776-T-C. GRCh37 (hg19) VCF-style: chr22-24158963-T-C.
Other names: c.608T>C, p.Leu203Ser (NM_001007468.3); c.662T>C, p.Leu221Ser (NM_001317946.2); c.689T>C, p.Leu230Ser (NM_001362877.2); short protein forms L203S, L221S, L230S, L212S.
Identifiers: ClinVar variation 5029931 (VCV005029931.1).
Genomic context (GRCh38, chr22:23,816,776, plus strand): 5'-CCATGCCCAAGCATGGTGCAATCTCTTGGCATCCCTTCCCTCTCCTGATTTCAGAGAAGT[T>C]GATGACGCCTGAGATGTTTTCAGAAATCCTCTGTGACGATCTGGATTTGAACCCGCTGAC-3'
Protein context (NP_003064.2, residues 202-222): DAFTWNMNEK[Leu212Ser]MTPEMFSEIL